The following is an entry in ClinVar:

ClinVar aggregate classification (germline): Uncertain significance (1 of 4 stars; one submission).

Conditions:
Melanoma, cutaneous malignant, susceptibility to, 5. Also called: Cutaneous malignant melanoma 5. Identifiers: Orphanet 618, MedGen C2751295, MONDO:0013133, OMIM 613099.

Submission:

Labcorp Genetics (formerly Invitae), Labcorp
Classification: Uncertain significance for Melanoma, cutaneous malignant, susceptibility to, 5. Last evaluated: 2025-02-25. Review status: criteria provided, single submitter. Criteria: Invitae Variant Classification Sherloc (09022015). Collection method: clinical testing. Allele origin: germline.
Comment: This sequence change creates a premature translational stop signal (p.Gln115Argfs*11) in the MC1R gene. While this is not anticipated to result in nonsense mediated decay, it is expected to disrupt the last 203 amino acid(s) of the MC1R protein. This variant is not present in population databases (gnomAD no frequency). This variant has not been reported in the literature in individuals affected with MC1R-related conditions. Experimental studies and prediction algorithms are not available or were not evaluated, and the functional significance of this variant is currently unknown. In summary, the available evidence is currently insufficient to determine the role of this variant in disease. Therefore, it has been classified as a Variant of Uncertain Significance.

NM_002386.4(MC1R):c.336_343dup (p.Gln115fs)

Gene: MC1R (melanocortin 1 receptor; plus strand). Cytogenetic location: 16q24.3.
Variant type: Duplication.
Coding change: c.336_343dup on transcript NM_002386.4 (MANE Select); coding-DNA positions 336 to 343, 8 bases duplicated (GCTGCAGC; older notation c.336_343dupGCTGCAGC).
Protein change: p.Gln115fs; shifts the reading frame from glutamine 115.
Molecular consequence: frameshift variant.
Genome position (GRCh38, 1-based): chr16:89,919,594-89,919,601, GCTGCAGC duplicated. VCF-style (leftmost placement, unchanged base first): chr16-89919593-T-TGCTGCAGC. GRCh37 (hg19) VCF-style: chr16-89986001-T-TGCTGCAGC.
Other names: short protein forms Q115fs.
Identifiers: ClinVar variation 4775731 (VCV004775731.1).